The following is an entry in ClinVar:

ClinVar aggregate classification (germline): Uncertain significance (1 of 4 stars; one submission).

Conditions:
Long QT syndrome (LQTS). Identifiers: MedGen C0023976, MeSH D008133, MONDO:0002442. Disease mechanism: loss of function. Inheritance: Various modes of inheritance.

Submission:

Labcorp Genetics (formerly Invitae), Labcorp
Classification: Uncertain significance for Long QT syndrome. Last evaluated: 2025-05-13. Review status: criteria provided, single submitter. Criteria: Invitae Variant Classification Sherloc (09022015). Collection method: clinical testing. Allele origin: germline.
Comment: This sequence change replaces threonine, which is neutral and polar, with isoleucine, which is neutral and non-polar, at codon 603 of the CACNA1C protein (p.Thr603Ile). This variant is not present in population databases (gnomAD no frequency). This variant has not been reported in the literature in individuals affected with CACNA1C-related conditions. Invitae Evidence Modeling of protein sequence and biophysical properties (such as structural, functional, and spatial information, amino acid conservation, physicochemical variation, residue mobility, and thermodynamic stability) indicates that this missense variant is not expected to disrupt CACNA1C protein function with a negative predictive value of 95%. In summary, the available evidence is currently insufficient to determine the role of this variant in disease. Therefore, it has been classified as a Variant of Uncertain Significance.

NM_000719.7(CACNA1C):c.1808C>T (p.Thr603Ile)

Gene: CACNA1C (calcium voltage-gated channel subunit alpha1 C; plus strand). Cytogenetic location: 12p13.33.
Variant type: single nucleotide variant.
Coding change: c.1808C>T on transcript NM_000719.7 (MANE Select); coding-DNA position 1808, C replaced by T.
Protein change: p.Thr603Ile; replaces threonine 603 with isoleucine.
Molecular consequence: missense variant.
Genome position (GRCh38, 1-based): chr12:2,567,707, C>T. VCF-style: chr12-2567707-C-T. GRCh37 (hg19) VCF-style: chr12-2676873-C-T.
Other names: c.1808C>T, p.Thr603Ile (NM_001129827.2, NM_001129829.2, NM_001129830.3 and 18 more transcripts); c.1799C>T, p.Thr600Ile (NM_001129844.2); short protein forms T600I, T603I.
Identifiers: ClinVar variation 4752732 (VCV004752732.1).
Genomic context (GRCh38, chr12:2,567,707, plus strand): 5'-ACTTCGTGTCCCTCTTCAACCGCTTTGACTGCTTCGTCGTGTGTGGCGGCATCCTGGAGA[C>T]CATCCTGGTGGAGACCAAGATCATGTCCCCACTGGGCATCTCCGTGCTCAGATGCGTCCG-3'
Protein context (NP_000710.5, residues 593-613): CFVVCGGILE[Thr603Ile]ILVETKIMSP